The following is an entry in ClinVar:

NM_001040142.2(SCN2A):c.4529A>T (p.Gln1510Leu)

Gene: SCN2A (sodium voltage-gated channel alpha subunit 2; plus strand). Cytogenetic location: 2q24.3.
Variant type: single nucleotide variant.
Coding change: c.4529A>T on transcript NM_001040142.2 (MANE Select); coding-DNA position 4529, A replaced by T.
Protein change: p.Gln1510Leu; replaces glutamine 1510 with leucine.
Molecular consequence: missense variant.
Genome position (GRCh38, 1-based): chr2:165,381,175, A>T. VCF-style: chr2-165381175-A-T. GRCh37 (hg19) VCF-style: chr2-166237685-A-T.
Other names: c.4529A>T, p.Gln1510Leu (NM_001040143.2, NM_001371246.1, NM_001371247.1 and 1 more transcripts); short protein forms Q1510L.
Identifiers: ClinVar variation 3250965 (VCV003250965.18), dbSNP rs2468129773.

ClinVar aggregate classification (germline): Uncertain significance (1 of 4 stars; one submission).

Submission:

CeGaT Center for Human Genetics Tuebingen
Classification: Uncertain significance. Last evaluated: 2024-06-01. Review status: criteria provided, single submitter. Criteria: CeGaT Center For Human Genetics Tuebingen Variant Classification Criteria Version 2. Collection method: clinical testing. Allele origin: germline. Affected: yes. Observed: 1 variant allele.
Comment: SCN2A: PM2, PP2